The following is an entry in ClinVar:

NM_000070.3(CAPN3):c.1903C>T (p.Gln635Ter)

Gene: CAPN3 (calpain 3; plus strand). Cytogenetic location: 15q15.1.
Variant type: single nucleotide variant.
Coding change: c.1903C>T on transcript NM_000070.3 (MANE Select); coding-DNA position 1903, C replaced by T.
Protein change: p.Gln635Ter; replaces glutamine 635 with a stop codon.
Molecular consequence: nonsense. On other transcripts: intron variant (3).
Genome position (GRCh38, 1-based): chr15:42,408,313, C>T. VCF-style: chr15-42408313-C-T. GRCh37 (hg19) VCF-style: chr15-42700511-C-T.
Other names: c.1885C>T, p.Gln629Ter (NM_024344.2); c.367C>T, p.Gln123Ter (NM_173088.2); c.*1001C>T (NM_212464.2); c.*1578C>T (NM_212467.2); c.1639-990C>T (NM_173087.2); c.-81-990C>T (NM_173090.2, NM_173089.2); short protein forms Q123*, Q635*, Q629*.
Identifiers: ClinVar variation 2096492 (VCV002096492.6), dbSNP rs768437317, ClinGen allele CA392000886.

ClinVar aggregate classification (germline): Pathogenic/Likely pathogenic. Review status: criteria provided, multiple submitters, no conflicts (2 of 4 stars). 3 submissions from 3 submitters: Pathogenic (1); Likely pathogenic (2). Last evaluated 2024-09-19.

Conditions:
Autosomal recessive limb-girdle muscular dystrophy type 2A (LGMDR1). Also called: Muscular dystrophy, limb-girdle, type 2A, Amish; Calpainopathy; LEYDEN-MOEBIUS MUSCULAR DYSTROPHY; MUSCULAR DYSTROPHY, PELVOFEMORAL; Limb-girdle muscular dystrophy, type 2A. Identifiers: Orphanet 267, MedGen C1869123, MONDO:0009675, OMIM 253600. Disease mechanism: loss of function.
Muscular dystrophy, limb-girdle, autosomal dominant 4. Also called: MUSCULAR DYSTROPHY, LIMB-GIRDLE, TYPE 1I; Calpain-3-related limb-girdle muscular dystrophy D4. Identifiers: Orphanet 565909, MedGen C4748295, MONDO:0029133, OMIM 618129.

Submissions (3):

Revvity Omics, Revvity
Classification: Likely pathogenic. Last evaluated: 2024-09-19. Review status: criteria provided, single submitter. Criteria: ACMG Guidelines, 2015. Collection method: clinical testing. Allele origin: germline.

Labcorp Genetics (formerly Invitae), Labcorp
Classification: Pathogenic for Autosomal recessive limb-girdle muscular dystrophy type 2A. Last evaluated: 2024-02-24. Review status: criteria provided, single submitter. Criteria: Invitae Variant Classification Sherloc (09022015). Collection method: clinical testing. Allele origin: germline.
Comment: This sequence change creates a premature translational stop signal (p.Gln635*) in the CAPN3 gene. It is expected to result in an absent or disrupted protein product. Loss-of-function variants in CAPN3 are known to be pathogenic (PMID: 10330340, 15689361). This variant is not present in population databases (gnomAD no frequency). This variant has not been reported in the literature in individuals affected with CAPN3-related conditions. ClinVar contains an entry for this variant (Variation ID: 2096492). Algorithms developed to predict the effect of sequence changes on RNA splicing suggest that this variant may disrupt the consensus splice site. For these reasons, this variant has been classified as Pathogenic.

Baylor Genetics
Classification: Likely pathogenic for Muscular dystrophy, limb-girdle, autosomal dominant 4. Last evaluated: 2023-07-11. Review status: criteria provided, single submitter. Criteria: ACMG Guidelines, 2015. Collection method: clinical testing. Allele origin: unknown.

Literature cited by the submitters: PubMed 10330340 (cited by Labcorp Genetics (formerly Invitae), Labcorp); PubMed 15689361 (cited by Labcorp Genetics (formerly Invitae), Labcorp).